The following is an entry in ClinVar:

ClinVar aggregate classification (germline): Uncertain significance. Review status: criteria provided, multiple submitters, no conflicts (2 of 4 stars). 2 submissions from 2 submitters: Uncertain significance (2). Last evaluated 2023-12-21.

Conditions:
Inborn genetic diseases. Identifiers: MedGen C0950123, MeSH D030342.
Hyperphosphatasia with intellectual disability syndrome 5 (GPIBD11). Also called: GLYCOSYLPHOSPHATIDYLINOSITOL BIOSYNTHESIS DEFECT 11. Identifiers: Orphanet 247262, MedGen C4014958, MONDO:0014457, OMIM 616025.

Allele frequency attached by ClinVar (database versions not stated): gnomAD 0.00001; TOPMed 0.00002; ExAC 0.00006.
gnomAD v4.1: 20 of 1,613,828 alleles (0.0012%); highest among the groups gnomAD compares: East Asian, 0.04%; no homozygotes.

Submissions (2):

Ambry Genetics
Classification: Uncertain significance for Inborn genetic diseases. Last evaluated: 2023-12-21. Review status: criteria provided, single submitter. Criteria: Ambry Variant Classification Scheme 2023. Collection method: clinical testing. Allele origin: germline.

Labcorp Genetics (formerly Invitae), Labcorp
Classification: Uncertain significance for Hyperphosphatasia with intellectual disability syndrome 5. Last evaluated: 2022-05-17. Review status: criteria provided, single submitter. Criteria: Invitae Variant Classification Sherloc (09022015). Collection method: clinical testing. Allele origin: germline.
Comment: This sequence change replaces alanine, which is neutral and non-polar, with serine, which is neutral and polar, at codon 301 of the PIGW protein (p.Ala301Ser). This variant is present in population databases (rs772278198, gnomAD 0.1%). This variant has not been reported in the literature in individuals affected with PIGW-related conditions. Algorithms developed to predict the effect of missense changes on protein structure and function (SIFT, PolyPhen-2, Align-GVGD) all suggest that this variant is likely to be disruptive. In summary, the available evidence is currently insufficient to determine the role of this variant in disease. Therefore, it has been classified as a Variant of Uncertain Significance.

NM_001346754.2(PIGW):c.901G>T (p.Ala301Ser)

Genes: MYO19 (myosin XIX; minus strand), PIGW (phosphatidylinositol glycan anchor biosynthesis class W; plus strand). Cytogenetic location: 17q12.
Variant type: single nucleotide variant.
Coding change: c.901G>T on transcript NM_001346754.2 (MANE Select); coding-DNA position 901, G replaced by T.
Protein change: p.Ala301Ser; replaces alanine 301 with serine.
Molecular consequence: missense variant.
Genome position (GRCh38, 1-based): chr17:36,538,002, G>T. VCF-style: chr17-36538002-G-T. GRCh37 (hg19) VCF-style: chr17-34893851-G-T.
Other names: c.901G>T, p.Ala301Ser (NM_001346755.2, NM_178517.5); c.901G>T (NM_178517.3); short protein forms A301S.
Identifiers: ClinVar variation 1951820 (VCV001951820.4), dbSNP rs772278198, ClinGen allele CA290116337.